The following is an entry in ClinVar:

NM_021831.6(AGBL5):c.1760C>T (p.Thr587Ile)

Gene: AGBL5 (AGBL carboxypeptidase 5; plus strand). Cytogenetic location: 2p23.3.
Variant type: single nucleotide variant.
Coding change: c.1760C>T on transcript NM_021831.6 (MANE Select); coding-DNA position 1760, C replaced by T.
Protein change: p.Thr587Ile; replaces threonine 587 with isoleucine.
Molecular consequence: missense variant. On other transcripts: non-coding transcript variant (2).
Genome position (GRCh38, 1-based): chr2:27,058,488, C>T. VCF-style: chr2-27058488-C-T. GRCh37 (hg19) VCF-style: chr2-27281356-C-T.
Other names: c.1760C>T, p.Thr587Ile (NM_001035506.1, NM_001035507.3); short protein forms T587I.
Identifiers: ClinVar variation 2091220 (VCV002091220.4), dbSNP rs2465490535, ClinGen allele CA346186568.
Genomic context (GRCh38, chr2:27,058,488, plus strand): 5'-TGGACATGGCGGAATGTAATCCGTGGCCCCGAATTGTACTGTCAGAGCACAGCAGCCTTA[C>T]TAATCTACGGGCCTGGATGCTGAAACATGTACGCAACAGCCGAGGCCTAAGCAGCACTCT-3'
Protein context (NP_068603.4, residues 577-597): RIVLSEHSSL[Thr587Ile]NLRAWMLKHV

ClinVar aggregate classification (germline): Uncertain significance (1 of 4 stars; one submission).

Submission:

Labcorp Genetics (formerly Invitae), Labcorp
Classification: Uncertain significance. Last evaluated: 2022-01-31. Review status: criteria provided, single submitter. Criteria: Invitae Variant Classification Sherloc (09022015). Collection method: clinical testing. Allele origin: germline.
Comment: This variant is not present in population databases (gnomAD no frequency). In summary, the available evidence is currently insufficient to determine the role of this variant in disease. Therefore, it has been classified as a Variant of Uncertain Significance. Algorithms developed to predict the effect of missense changes on protein structure and function are either unavailable or do not agree on the potential impact of this missense change (SIFT: "Deleterious"; PolyPhen-2: "Benign"; Align-GVGD: "Class C0"). This variant has not been reported in the literature in individuals affected with AGBL5-related conditions. This sequence change replaces threonine, which is neutral and polar, with isoleucine, which is neutral and non-polar, at codon 587 of the AGBL5 protein (p.Thr587Ile).